The following is an entry in ClinVar:

ClinVar aggregate classification (germline): Conflicting classifications of pathogenicity. Review status: criteria provided, conflicting classifications (1 of 4 stars). 3 submissions from 3 submitters: Uncertain significance (2); Likely benign (1). Last evaluated 2025-03-22.

Allele frequency attached by ClinVar (database versions not stated): ExAC 0.00004; gnomAD exomes 0.00004 and 0.00006; gnomAD 0.00006 and 0.00007; TOPMed 0.00007.
gnomAD v4.1: 68 of 1,614,198 alleles (0.0042%); highest among the groups gnomAD compares: Middle Eastern, 0.12%; no homozygotes.

Submissions (3):

Ambry Genetics
Classification: Uncertain significance. Last evaluated: 2025-03-22. Review status: criteria provided, single submitter. Criteria: Ambry Variant Classification Scheme 2023. Collection method: clinical testing. Allele origin: germline.

Labcorp Genetics (formerly Invitae), Labcorp
Classification: Uncertain significance. Last evaluated: 2023-07-20. Review status: criteria provided, single submitter. Criteria: Invitae Variant Classification Sherloc (09022015). Collection method: clinical testing. Allele origin: germline.
Comment: Advanced modeling of protein sequence and biophysical properties (such as structural, functional, and spatial information, amino acid conservation, physicochemical variation, residue mobility, and thermodynamic stability) performed at Invitae indicates that this missense variant is not expected to disrupt KIAA1109 protein function. In summary, the available evidence is currently insufficient to determine the role of this variant in disease. Therefore, it has been classified as a Variant of Uncertain Significance. ClinVar contains an entry for this variant (Variation ID: 1401087). This variant has not been reported in the literature in individuals affected with KIAA1109-related conditions. This variant is present in population databases (rs202171900, gnomAD 0.01%). This sequence change replaces asparagine, which is neutral and polar, with serine, which is neutral and polar, at codon 1074 of the KIAA1109 protein (p.Asn1074Ser).

GeneDx
Classification: Likely benign. Last evaluated: 2022-02-15. Review status: criteria provided, single submitter. Criteria: GeneDx Variant Classification Process June 2021. Collection method: clinical testing. Allele origin: germline. Affected: yes.
Comment: See Variant Classification Assertion Criteria.

NM_001384125.1(BLTP1):c.3221A>G (p.Asn1074Ser)

Gene: BLTP1 (bridge-like lipid transfer protein family member 1; plus strand). Cytogenetic location: 4q27.
Variant type: single nucleotide variant.
Coding change: c.3221A>G on transcript NM_001384125.1 (MANE Select); coding-DNA position 3221, A replaced by G.
Protein change: p.Asn1074Ser; replaces asparagine 1074 with serine.
Molecular consequence: missense variant.
Genome position (GRCh38, 1-based): chr4:122,230,109, A>G. VCF-style: chr4-122230109-A-G. GRCh37 (hg19) VCF-style: chr4-123151264-A-G.
Other names: c.3221A>G, p.Asn1074Ser (NM_015312.4); short protein forms N1074S.
Identifiers: ClinVar variation 1401087 (VCV001401087.9), dbSNP rs202171900, ClinGen allele CA3066091.